The following is an entry in ClinVar:

ClinVar aggregate classification (germline): Uncertain significance (1 of 4 stars; one submission).

gnomAD v4.1: 1 of 1,613,790 alleles (0.000062%); highest among the groups gnomAD compares: Non-Finnish European, 0.000085%; no homozygotes.

Submission:

Labcorp Genetics (formerly Invitae), Labcorp
Classification: Uncertain significance. Last evaluated: 2025-06-25. Review status: criteria provided, single submitter. Criteria: Invitae Variant Classification Sherloc (09022015). Collection method: clinical testing. Allele origin: germline.
Comment: This sequence change replaces isoleucine, which is neutral and non-polar, with valine, which is neutral and non-polar, at codon 681 of the CDH2 protein (p.Ile681Val). This variant is not present in population databases (gnomAD no frequency). This variant has not been reported in the literature in individuals affected with CDH2-related conditions. An algorithm developed to predict the effect of missense changes on protein structure and function outputs the following: PolyPhen-2: "Benign". The valine amino acid residue is found in multiple mammalian species, which suggests that this missense change does not adversely affect protein function. In summary, the available evidence is currently insufficient to determine the role of this variant in disease. Therefore, it has been classified as a Variant of Uncertain Significance.

NM_001792.5(CDH2):c.2041A>G (p.Ile681Val)

Gene: CDH2 (cadherin 2; minus strand). Cytogenetic location: 18q12.1.
Variant type: single nucleotide variant.
Coding change: c.2041A>G on transcript NM_001792.5 (MANE Select); coding-DNA position 2041, A replaced by G.
Protein change: p.Ile681Val; replaces isoleucine 681 with valine.
Molecular consequence: missense variant.
Genome position (GRCh38, 1-based): chr18:27,985,168, T>C on the plus strand (A>G on the coding strand, the complement: CDH2 is on the minus strand). VCF-style: chr18-27985168-T-C. GRCh37 (hg19) VCF-style: chr18-25565132-T-C.
Other names: c.1948A>G, p.Ile650Val (NM_001308176.2); short protein forms I681V, I650V.
Identifiers: ClinVar variation 4722159 (VCV004722159.1).